The following is an entry in ClinVar:

ClinVar aggregate classification (germline): Benign (1 of 4 stars; one submission).

Allele frequency attached by ClinVar (database versions not stated): gnomAD exomes 0.38509; 1000 Genomes Project 0.45507; 1000 Genomes Project 30x 0.46393; gnomAD 0.46403 and 0.47160; TOPMed 0.48572.
gnomAD v4.1: 339,236 of 847,796 alleles (40%); highest among the groups gnomAD compares: African/African-American, 67%; 72,953 homozygotes.

Submission:

GeneDx
Classification: Benign. Last evaluated: 2018-06-19. Review status: criteria provided, single submitter. Criteria: GeneDx Variant Classification (06012015). Collection method: clinical testing. Allele origin: germline. Affected: yes.
Comment: This variant is considered likely benign or benign based on one or more of the following criteria: it is a conservative change, it occurs at a poorly conserved position in the protein, it is predicted to be benign by multiple in silico algorithms, and/or has population frequency not consistent with disease.

NM_001370298.3(FGD4):c.1404+149T>C

Gene: FGD4 (FYVE, RhoGEF and PH domain containing 4; plus strand). Cytogenetic location: 12p11.21.
Variant type: single nucleotide variant.
Coding change: c.1404+149T>C on transcript NM_001370298.3 (MANE Select); 149 bases into the intron after coding-DNA position 1404, T replaced by C.
Molecular consequence: intron variant.
Genome position (GRCh38, 1-based): chr12:32,602,466, T>C. VCF-style: chr12-32602466-T-C. GRCh37 (hg19) VCF-style: chr12-32755400-T-C.
Other names: c.1404+149T>C (NM_001384126.1); c.1248+149T>C (NM_001304481.2); c.714+149T>C (NM_001330374.2, NM_001330373.2, NM_001384130.1); c.993+149T>C (NM_139241.3, NM_001384127.1, NM_001385118.1 and 1 more transcripts); c.-59+149T>C (NM_001304484.2); c.441+149T>C (NM_001370297.1); c.249+149T>C (NM_001304483.2).
Identifiers: ClinVar variation 670509 (VCV000670509.1), dbSNP rs7964734, ClinGen allele CA13618339.